The following is an entry in ClinVar:

ClinVar aggregate classification (germline): Likely pathogenic (1 of 4 stars; one submission).

Conditions:
Treacher Collins syndrome 1 (TCS1). Also called: TCOF1-Related Treacher Collins Syndrome. Identifiers: Orphanet 861, MedGen CN315775, MONDO:0007944, OMIM 154500.

Submission:

3billion
Classification: Likely pathogenic for Treacher Collins syndrome 1. Last evaluated: 2023-06-21. Review status: criteria provided, single submitter. Criteria: ACMG Guidelines, 2015. Collection method: clinical testing. Allele origin: germline. Affected: yes.
Comment: The variant is not observed in the gnomAD v2.1.1 dataset. Predicted Consequence/Location: Frameshift: predicted to result in a loss or disruption of normal protein function through nonsense-mediated decay (NMD) or protein truncation. Multiple pathogenic variants are reported downstream of the variant. Therefore, this variant is classified as Likely pathogenic according to the recommendation of ACMG/AMP guideline.

NM_001371623.1(TCOF1):c.1397_1485del (p.Val466fs)

Gene: TCOF1 (treacle ribosome biogenesis factor 1; plus strand). Cytogenetic location: 5q32.
Variant type: Deletion.
Coding change: c.1397_1485del on transcript NM_001371623.1 (MANE Select); coding-DNA positions 1397 to 1485, 89 bases deleted.
Protein change: p.Val466fs; shifts the reading frame from valine 466.
Molecular consequence: frameshift variant.
Genome position (GRCh38, 1-based): chr5:150,375,072-150,375,160, 89 bases deleted. GRCh37 (hg19): chr5:149,754,635-149,754,723.
Other names: c.1166_1254del, p.Val389fs (NM_000356.4, NM_001135245.2); c.1397_1485del, p.Val466fs (NM_001008657.3, NM_001135243.2, NM_001135244.2 and 1 more transcripts); short protein forms V389fs, V466fs.
Identifiers: ClinVar variation 3775210 (VCV003775210.1).